The following is an entry in ClinVar:

ClinVar aggregate classification (germline): Conflicting classifications of pathogenicity. Review status: criteria provided, conflicting classifications (1 of 4 stars). 2 submissions from 2 submitters: Uncertain significance (1); Likely benign (1). Last evaluated 2024-03-06.

Conditions:
Hereditary cancer-predisposing syndrome. Also called: Neoplastic Syndromes, Hereditary; Tumor predisposition; Hereditary Cancer Syndrome; Hereditary neoplastic syndrome. Identifiers: Orphanet 140162, MedGen C0027672, MeSH D009386, MONDO:0015356.

Allele frequency attached by ClinVar (database versions not stated): gnomAD exomes below 0.00001.
gnomAD v4.1: 1 of 1,592,052 alleles (0.000063%); no homozygotes.

Submissions (2):

Color Diagnostics, LLC DBA Color Health
Classification: Uncertain significance for Hereditary cancer-predisposing syndrome. Last evaluated: 2024-03-06. Review status: criteria provided, single submitter. Criteria: ACMG Guidelines, 2015. Collection method: clinical testing. Allele origin: germline.
Comment: This missense variant replaces alanine with serine at codon 222 of the BARD1 protein. Computational prediction suggests that this variant may not impact protein structure and function (internally defined REVEL score threshold <= 0.5, PMID: 27666373). Splice site prediction tools suggest that this variant may not impact RNA splicing. To our knowledge, functional studies have not been performed for this variant. This variant has not been reported in individuals affected with hereditary cancer in the literature. This variant has not been identified in the general population by the Genome Aggregation Database (gnomAD). The available evidence is insufficient to determine the role of this variant in disease conclusively. Therefore, this variant is classified as a Variant of Uncertain Significance.

Ambry Genetics
Classification: Likely benign for Hereditary cancer-predisposing syndrome. Last evaluated: 2024-02-26. Review status: criteria provided, single submitter. Criteria: Ambry Variant Classification Scheme 2023. Collection method: clinical testing. Allele origin: germline.

NM_000465.4(BARD1):c.664G>T (p.Ala222Ser)

Gene: BARD1 (BRCA1 associated RING domain 1; minus strand). Cytogenetic location: 2q35.
Variant type: single nucleotide variant.
Coding change: c.664G>T on transcript NM_000465.4 (MANE Select); coding-DNA position 664, G replaced by T.
Protein change: p.Ala222Ser; replaces alanine 222 with serine.
Molecular consequence: missense variant. On other transcripts: non-coding transcript variant (2), intron variant (3).
Genome position (GRCh38, 1-based): chr2:214,781,210, C>A on the plus strand (G>T on the coding strand, the complement: BARD1 is on the minus strand). VCF-style: chr2-214781210-C-A. GRCh37 (hg19) VCF-style: chr2-215645934-C-A.
Other names: c.664G>T (NM_000465.2); c.607G>T, p.Ala203Ser (NM_001282543.2); c.158+28202G>T (NM_001282548.2); c.215+15851G>T (NM_001282545.2); c.364+11087G>T (NM_001282549.2); short protein forms A222S, A203S.
Identifiers: ClinVar variation 919229 (VCV000919229.6), dbSNP rs1574820102, ClinGen allele CA350456517.
Genomic context (GRCh38, chr2:214,781,210, plus strand): 5'-AGGATACCAGCTTTTGCTTAGATTCCTCTTTGGAGTCAAATTCACCATCTTCTTTTTCTG[C>A]CTCTAAATTCCATTTTTGGTTGATTTCAGCTAAAGTTTTCTTTTTTTGCTTTTTTCCAGA-3'
Protein context (NP_000456.2, residues 212-232): AEINQKWNLE[Ala222Ser]EKEDGEFDSK